The following is an entry in ClinVar:

NM_001013838.3(CARMIL2):c.3971G>A (p.Arg1324Lys)

Gene: CARMIL2 (capping protein regulator and myosin 1 linker 2; plus strand). Cytogenetic location: 16q22.1.
Variant type: single nucleotide variant.
Coding change: c.3971G>A on transcript NM_001013838.3 (MANE Select); coding-DNA position 3971, G replaced by A.
Protein change: p.Arg1324Lys; replaces arginine 1324 with lysine.
Molecular consequence: missense variant.
Genome position (GRCh38, 1-based): chr16:67,656,580, G>A. VCF-style: chr16-67656580-G-A. GRCh37 (hg19) VCF-style: chr16-67690483-G-A.
Other names: c.3863G>A, p.Arg1288Lys (NM_001317026.3); short protein forms R1288K, R1324K.
Identifiers: ClinVar variation 3624320 (VCV003624320.1).

ClinVar aggregate classification (germline): Uncertain significance (1 of 4 stars; one submission).

gnomAD v4.1: 9 of 1,612,194 alleles (0.00056%); highest among the groups gnomAD compares: East Asian, 0.02%; no homozygotes.

Submission:

Labcorp Genetics (formerly Invitae), Labcorp
Classification: Uncertain significance. Last evaluated: 2024-06-25. Review status: criteria provided, single submitter. Criteria: Invitae Variant Classification Sherloc (09022015). Collection method: clinical testing. Allele origin: germline.
Comment: This sequence change replaces arginine, which is basic and polar, with lysine, which is basic and polar, at codon 1324 of the CARMIL2 protein (p.Arg1324Lys). This variant is present in population databases (rs774181218, gnomAD 0.04%). This variant has not been reported in the literature in individuals affected with CARMIL2-related conditions. Advanced modeling of protein sequence and biophysical properties (such as structural, functional, and spatial information, amino acid conservation, physicochemical variation, residue mobility, and thermodynamic stability) performed at Invitae indicates that this missense variant is not expected to disrupt CARMIL2 protein function with a negative predictive value of 80%. In summary, the available evidence is currently insufficient to determine the role of this variant in disease. Therefore, it has been classified as a Variant of Uncertain Significance.